The following is an entry in ClinVar:

ClinVar aggregate classification (germline): Uncertain significance (1 of 4 stars; one submission).

Allele frequency attached by ClinVar (database versions not stated): gnomAD exomes below 0.00001; TOPMed 0.00001.
gnomAD v4.1: 5 of 1,612,908 alleles (0.00031%); highest among the groups gnomAD compares: Non-Finnish European, 0.00042%; no homozygotes.

Submission:

Labcorp Genetics (formerly Invitae), Labcorp
Classification: Uncertain significance. Last evaluated: 2022-11-25. Review status: criteria provided, single submitter. Criteria: Invitae Variant Classification Sherloc (09022015). Collection method: clinical testing. Allele origin: germline.
Comment: This sequence change affects codon 291 of the IKZF1 mRNA. It is a 'silent' change, meaning that it does not change the encoded amino acid sequence of the IKZF1 protein. In summary, the available evidence is currently insufficient to determine the role of this variant in disease. Therefore, it has been classified as a Variant of Uncertain Significance. Experimental studies and prediction algorithms are not available or were not evaluated, and the effect of this variant on mRNA splicing is currently unknown. This variant has not been reported in the literature in individuals affected with IKZF1-related conditions. This variant is not present in population databases (gnomAD no frequency).

NM_006060.6(IKZF1):c.873G>T (p.Thr291=)

Gene: IKZF1 (IKAROS family zinc finger 1; plus strand). Cytogenetic location: 7p12.2.
Variant type: single nucleotide variant.
Coding change: c.873G>T on transcript NM_006060.6 (MANE Select); coding-DNA position 873, G replaced by T.
Protein change: p.Thr291=; no amino-acid change (threonine 291 retained).
Molecular consequence: synonymous variant.
Genome position (GRCh38, 1-based): chr7:50,399,940, G>T. VCF-style: chr7-50399940-G-T. GRCh37 (hg19) VCF-style: chr7-50467638-G-T.
Other names: c.747G>T, p.Thr249= (NM_001220765.3, NM_001291837.2); c.582G>T, p.Thr194= (NM_001220767.2); c.612G>T, p.Thr204= (NM_001220768.2, NM_001291838.2); c.456G>T, p.Thr152= (NM_001220770.2); c.444G>T, p.Thr148= (NM_001220771.2, NM_001291841.1); c.486G>T, p.Thr162= (NM_001291839.2); c.183G>T, p.Thr61= (NM_001291840.1); c.414G>T, p.Thr138= (NM_001291842.1); and 3 more.
Identifiers: ClinVar variation 2878245 (VCV002878245.3), dbSNP rs1237905321, ClinGen allele CA454931286.